The following is an entry in ClinVar:

ClinVar aggregate classification (germline): Uncertain significance. Review status: criteria provided, multiple submitters, no conflicts (2 of 4 stars). 4 submissions from 4 submitters: Uncertain significance (3). 1 of the submissions does not count toward it. Last evaluated 2026-01-26.

Conditions:
KIT-related disorder. Also called: KIT-related condition.
Hereditary cancer-predisposing syndrome. Also called: Tumor predisposition; Hereditary neoplastic syndrome; Neoplastic Syndromes, Hereditary; Hereditary Cancer Syndrome. Identifiers: Orphanet 140162, MedGen C0027672, MeSH D009386, MONDO:0015356.
Gastrointestinal stromal tumor. Also called: Gastrointestinal stroma tumor; Gastrointestinal stromal tumor, somatic. Identifiers: Orphanet 44890, MedGen C0238198, MeSH D046152, MONDO:0011719, OMIM 606764, HP:0100723.

Allele frequency attached by ClinVar (database versions not stated): gnomAD 0.00001.
gnomAD v4.1: 1 of 1,613,968 alleles (0.000062%); highest among the groups gnomAD compares: Non-Finnish European, 0.000085%; no homozygotes.

Submissions (4):

Labcorp Genetics (formerly Invitae), Labcorp
Classification: Uncertain significance for Gastrointestinal stromal tumor. Last evaluated: 2026-01-26. Review status: criteria provided, single submitter. Criteria: Invitae Variant Classification Sherloc (09022015). Collection method: clinical testing. Allele origin: germline.
Comment: This sequence change replaces threonine, which is neutral and polar, with isoleucine, which is neutral and non-polar, at codon 632 of the KIT protein (p.Thr632Ile). This variant is not present in population databases (gnomAD no frequency). This variant has not been reported in the literature in individuals affected with KIT-related conditions. ClinVar contains an entry for this variant (Variation ID: 458897). An algorithm developed to predict the effect of missense changes on protein structure and function (PolyPhen-2) suggests that this variant is likely to be disruptive. In summary, the available evidence is currently insufficient to determine the role of this variant in disease. Therefore, it has been classified as a Variant of Uncertain Significance.

Ambry Genetics
Classification: Uncertain significance for Hereditary cancer-predisposing syndrome. Last evaluated: 2025-08-02. Review status: criteria provided, single submitter. Criteria: Ambry Variant Classification Scheme 2023. Collection method: clinical testing. Allele origin: germline.
Comment: The p.T632I variant (also known as c.1895C>T), located in coding exon 13 of the KIT gene, results from a C to T substitution at nucleotide position 1895. The threonine at codon 632 is replaced by isoleucine, an amino acid with similar properties. This amino acid position is well conserved in available vertebrate species. In addition, this alteration is predicted to be tolerated by in silico analysis. Since supporting evidence is limited at this time, the clinical significance of this alteration remains unclear.

Baylor Genetics
Classification: Uncertain significance for Gastrointestinal stromal tumor. Last evaluated: 2023-05-12. Review status: criteria provided, single submitter. Criteria: ACMG Guidelines, 2015. Collection method: clinical testing. Allele origin: unknown.

PreventionGenetics, part of Exact Sciences
Classification: Uncertain significance for KIT-related condition. Last evaluated: 2024-01-29. Review status: no assertion criteria provided. Collection method: clinical testing. Allele origin: germline. Not counted in ClinVar's aggregate classification.
Comment: The KIT c.1895C>T variant is predicted to result in the amino acid substitution p.Thr632Ile. To our knowledge, this variant has not been reported in the literature or in a large population database, indicating this variant is rare. At this time, the clinical significance of this variant is uncertain due to the absence of conclusive functional and genetic evidence.

NM_000222.3(KIT):c.1895C>T (p.Thr632Ile)

Gene: KIT (KIT proto-oncogene, receptor tyrosine kinase; plus strand). Cytogenetic location: 4q12.
Variant type: single nucleotide variant.
Coding change: c.1895C>T on transcript NM_000222.3 (MANE Select); coding-DNA position 1895, C replaced by T.
Protein change: p.Thr632Ile; replaces threonine 632 with isoleucine.
Molecular consequence: missense variant.
Genome position (GRCh38, 1-based): chr4:54,728,026, C>T. VCF-style: chr4-54728026-C-T. GRCh37 (hg19) VCF-style: chr4-55594192-C-T.
Other names: c.1883C>T, p.Thr628Ile (NM_001093772.2, NM_001385286.1); c.1898C>T, p.Thr633Ile (NM_001385284.1, NM_001385290.1); c.1895C>T, p.Thr632Ile (NM_001385285.1); c.1886C>T, p.Thr629Ile (NM_001385288.1, NM_001385292.1); short protein forms T632I, T628I, T629I, T633I.
Identifiers: ClinVar variation 458897 (VCV000458897.19), dbSNP rs1553891944, ClinGen allele CA356908438.
Genomic context (GRCh38, chr4:54,728,026, plus strand): 5'-TTTGCCAGTTGTGCTTTTTGCTAAAATGCATGTTTCCAATTTTAGCGAGTGCCCATTTGA[C>T]AGAACGGGAAGCCCTCATGTCTGAACTCAAAGTCCTGAGTTACCTTGGTAATCACATGAA-3'
Protein context (NP_000213.1, residues 622-642): VKMLKPSAHL[Thr632Ile]EREALMSELK